The following is an entry in ClinVar:

NM_007294.4(BRCA1):c.5406+8T>A

Gene: BRCA1 (BRCA1 DNA repair associated; minus strand). Cytogenetic location: 17q21.31.
Variant type: single nucleotide variant.
Coding change: c.5406+8T>A on transcript NM_007294.4 (MANE Select); 8 bases into the intron after coding-DNA position 5406, T replaced by A.
Molecular consequence: intron variant.
Genome position (GRCh38, 1-based): chr17:43,049,113, A>T on the plus strand (T>A on the coding strand, the complement: BRCA1 is on the minus strand). VCF-style: chr17-43049113-A-T. GRCh37 (hg19) VCF-style: chr17-41201130-A-T.
Other names: c.5025+8T>A (NM_001407959.1); c.5139+8T>A (NM_001407931.1, NM_001407932.1, NM_001407928.1 and 4 more transcripts); c.5262+8T>A (NM_001407747.1, NM_001407745.1, NM_001407737.1 and 18 more transcripts); c.5022+8T>A (NM_001407962.1, NM_001407960.1); c.1593+8T>A (NM_001408512.1); c.1716+8T>A (NM_001408510.1); c.5196+8T>A (NM_001407885.1, NM_001407886.1, NM_001407881.1 and 5 more transcripts); c.1950+8T>A (NM_001408470.1, NM_001408469.1, NM_001408468.1); and 84 more.
Identifiers: ClinVar variation 865717 (VCV000865717.3), dbSNP rs55946644, ClinGen allele CA916080833.

Conditions:
Breast-ovarian cancer, familial, susceptibility to, 1 (BROVCA1). Also called: BRCA1 Hereditary Breast and Ovarian Cancer; OVARIAN CANCER, SUSCEPTIBILITY TO. Identifiers: Orphanet 145, MedGen C2676676, MONDO:0011450, OMIM 604370. Disease mechanism: loss of function.

Submission:

Brotman Baty Institute, University of Washington
No classification provided (evidence only). Condition: Breast-ovarian cancer, familial 1. Review status: no classification provided. Collection method: in vitro. Allele origin: not applicable. Functional consequence: functionally_normal.
ClinVar note: "not provided" was previously submitted as the classification for the variant. However, the classification appeared to be based only on an observation of functional data so it was converted to no classification on 2025-07-30.